The following is an entry in ClinVar:

ClinVar aggregate classification (germline): Uncertain significance. Review status: criteria provided, multiple submitters, no conflicts (2 of 4 stars). 4 submissions from 4 submitters: Uncertain significance (4). Last evaluated 2024-01-22.

Conditions:
Hereditary cancer-predisposing syndrome. Also called: Tumor predisposition; Hereditary neoplastic syndrome; Neoplastic Syndromes, Hereditary; Hereditary Cancer Syndrome. Identifiers: Orphanet 140162, MedGen C0027672, MeSH D009386, MONDO:0015356.
Ataxia-telangiectasia syndrome (AT). Also called: Ataxia-telangiectasia, complementation group D; AT, COMPLEMENTATION GROUP C; ATAXIA-TELANGIECTASIA, COMPLEMENTATION GROUP A; ATAXIA-TELANGIECTASIA, FRESNO VARIANT; Ataxia-telangiectasia; LOUIS-BAR SYNDROME. Identifiers: Orphanet 100, MedGen C0004135, MONDO:0008840, OMIM 208900.

Submissions (4):

Color Diagnostics, LLC DBA Color Health
Classification: Uncertain significance for Hereditary cancer-predisposing syndrome. Last evaluated: 2024-01-22. Review status: criteria provided, single submitter. Criteria: ACMG Guidelines, 2015. Collection method: clinical testing. Allele origin: germline.
Comment: This missense variant replaces leucine with serine at codon 2128 of the ATM protein. Computational prediction suggests that this variant may have deleterious impact on protein structure and function. To our knowledge, functional studies have not been reported for this variant. This variant has not been reported in individuals affected with ATM-related disorders in the literature. This variant has not been identified in the general population by the Genome Aggregation Database (gnomAD). The available evidence is insufficient to determine the role of this variant in disease conclusively. Therefore, this variant is classified as a Variant of Uncertain Significance.

Labcorp Genetics (formerly Invitae), Labcorp
Classification: Uncertain significance for Ataxia-telangiectasia syndrome. Last evaluated: 2024-01-19. Review status: criteria provided, single submitter. Criteria: Invitae Variant Classification Sherloc (09022015). Collection method: clinical testing. Allele origin: germline.
Comment: This sequence change replaces leucine, which is neutral and non-polar, with serine, which is neutral and polar, at codon 2128 of the ATM protein (p.Leu2128Ser). This variant is not present in population databases (gnomAD no frequency). This variant has not been reported in the literature in individuals affected with ATM-related conditions. ClinVar contains an entry for this variant (Variation ID: 631338). An algorithm developed to predict the effect of missense changes on protein structure and function (PolyPhen-2) suggests that this variant is likely to be disruptive. In summary, the available evidence is currently insufficient to determine the role of this variant in disease. Therefore, it has been classified as a Variant of Uncertain Significance.

GeneDx
Classification: Uncertain significance. Last evaluated: 2023-07-31. Review status: criteria provided, single submitter. Criteria: GeneDx Variant Classification Process June 2021. Collection method: clinical testing. Allele origin: germline. Affected: yes.
Comment: Not observed at significant frequency in large population cohorts (gnomAD); In silico analysis supports that this missense variant has a deleterious effect on protein structure/function; Not observed in any cases, but was observed in unaffected controls from a breast cancer study (Momozawa et al., 2018); This variant is associated with the following publications: (PMID: 23532176, 30287823)

Ambry Genetics
Classification: Uncertain significance for Hereditary cancer-predisposing syndrome. Last evaluated: 2021-04-29. Review status: criteria provided, single submitter. Criteria: Ambry Variant Classification Scheme 2023. Collection method: clinical testing. Allele origin: germline.
Comment: The p.L2128S variant (also known as c.6383T>C), located in coding exon 43 of the ATM gene, results from a T to C substitution at nucleotide position 6383. The leucine at codon 2128 is replaced by serine, an amino acid with dissimilar properties. This alteration was observed with an allele frequency of 0 in 7,051 unselected female breast cancer patients and was observed with an allele frequency of 0.00009 in 11,241 female controls of Japanese ancestry (Momozawa Y et al. Nat Commun, 2018 10;9:4083). This amino acid position is well conserved in available vertebrate species. In addition, this alteration is predicted to be deleterious by in silico analysis. Since supporting evidence is limited at this time, the clinical significance of this alteration remains unclear.

Literature cited by the submitters: PubMed 30287823 (cited by Ambry Genetics).

NM_000051.4(ATM):c.6383T>C (p.Leu2128Ser)

Genes: ATM (ATM serine/threonine kinase; plus strand), C11orf65 (chromosome 11 open reading frame 65; minus strand). Cytogenetic location: 11q22.3.
Variant type: single nucleotide variant.
Coding change: c.6383T>C on transcript NM_000051.4 (MANE Select); coding-DNA position 6383, T replaced by C.
Protein change: p.Leu2128Ser; replaces leucine 2128 with serine.
Molecular consequence: missense variant. On other transcripts: intron variant (2).
Genome position (GRCh38, 1-based): chr11:108,319,989, T>C. VCF-style: chr11-108319989-T-C. GRCh37 (hg19) VCF-style: chr11-108190716-T-C.
Other names: c.641-10918A>G (NM_001330368.2); c.*39-10918A>G (NM_001351110.2); c.6383T>C, p.Leu2128Ser (NM_001351834.2); short protein forms L2128S.
Identifiers: ClinVar variation 631338 (VCV000631338.11), dbSNP rs1565508867, ClinGen allele CA382553298.